The following is an entry in ClinVar:

ClinVar aggregate classification (germline): Uncertain significance (1 of 4 stars; one submission).

Conditions:
Cardiovascular phenotype. Identifiers: MedGen CN230736.

gnomAD v4.1: 1 of 1,208,960 alleles (0.000083%); highest among the groups gnomAD compares: Non-Finnish European, 0.00011%; no homozygotes.

Submission:

Ambry Genetics
Classification: Uncertain significance for Cardiovascular phenotype. Last evaluated: 2025-03-25. Review status: criteria provided, single submitter. Criteria: Ambry Variant Classification Scheme 2023. Collection method: clinical testing. Allele origin: germline.
Comment: The p.H70Q variant (also known as c.210C>A), located in coding exon 1 of the BGN gene, results from a C to A substitution at nucleotide position 210. The histidine at codon 70 is replaced by glutamine, an amino acid with highly similar properties. This amino acid position is conserved. In addition, this alteration is predicted to be tolerated by in silico analysis. Based on the available evidence, the clinical significance of this variant remains unclear.

NM_001711.6(BGN):c.210C>A (p.His70Gln)

Gene: BGN (biglycan; plus strand). Cytogenetic location: Xq28.
Variant type: single nucleotide variant.
Coding change: c.210C>A on transcript NM_001711.6 (MANE Select); coding-DNA position 210, C replaced by A.
Protein change: p.His70Gln; replaces histidine 70 with glutamine.
Molecular consequence: missense variant.
Genome position (GRCh38, 1-based): chrX:153,504,841, C>A. VCF-style: chrX-153504841-C-A. GRCh37 (hg19) VCF-style: chrX-152770299-C-A.
Other names: short protein forms H70Q.
Identifiers: ClinVar variation 3991369 (VCV003991369.1).